The following is an entry in ClinVar:

NM_006445.4(PRPF8):c.1082A>G (p.His361Arg)

Gene: PRPF8 (pre-mRNA processing factor 8; minus strand). Cytogenetic location: 17p13.3.
Variant type: single nucleotide variant.
Coding change: c.1082A>G on transcript NM_006445.4 (MANE Select); coding-DNA position 1082, A replaced by G.
Protein change: p.His361Arg; replaces histidine 361 with arginine.
Molecular consequence: missense variant.
Genome position (GRCh38, 1-based): chr17:1,680,742, T>C on the plus strand (A>G on the coding strand, the complement: PRPF8 is on the minus strand). VCF-style: chr17-1680742-T-C. GRCh37 (hg19) VCF-style: chr17-1584036-T-C.
Other names: short protein forms H361R.
Identifiers: ClinVar variation 1374421 (VCV001374421.6), dbSNP rs1236924890, ClinGen allele CA397565781.

ClinVar aggregate classification (germline): Uncertain significance (1 of 4 stars; one submission).

Allele frequency attached by ClinVar (database versions not stated): TOPMed below 0.00001; gnomAD 0.00001.
gnomAD v4.1: 2 of 1,612,594 alleles (0.00012%); highest among the groups gnomAD compares: Non-Finnish European, 0.000085%; no homozygotes.

Submission:

Labcorp Genetics (formerly Invitae), Labcorp
Classification: Uncertain significance. Last evaluated: 2021-08-12. Review status: criteria provided, single submitter. Criteria: Invitae Variant Classification Sherloc (09022015). Collection method: clinical testing. Allele origin: germline.
Comment: Algorithms developed to predict the effect of missense changes on protein structure and function (SIFT, PolyPhen-2, Align-GVGD) all suggest that this variant is likely to be tolerated. This variant has not been reported in the literature in individuals affected with PRPF8-related conditions. This variant is not present in population databases (ExAC no frequency). This sequence change replaces histidine with arginine at codon 361 of the PRPF8 protein (p.His361Arg). The histidine residue is highly conserved and there is a small physicochemical difference between histidine and arginine. In summary, the available evidence is currently insufficient to determine the role of this variant in disease. Therefore, it has been classified as a Variant of Uncertain Significance. Algorithms developed to predict the effect of sequence changes on RNA splicing suggest that this variant may create or strengthen a splice site.